The following is an entry in ClinVar:

NM_001737.5(C9):c.622G>A (p.Gly208Ser)

Gene: C9 (complement C9; minus strand). Cytogenetic location: 5p13.1.
Variant type: single nucleotide variant.
Coding change: c.622G>A on transcript NM_001737.5 (MANE Select); coding-DNA position 622, G replaced by A.
Protein change: p.Gly208Ser; replaces glycine 208 with serine.
Molecular consequence: missense variant.
Genome position (GRCh38, 1-based): chr5:39,316,023, C>T on the plus strand (G>A on the coding strand, the complement: C9 is on the minus strand). VCF-style: chr5-39316023-C-T. GRCh37 (hg19) VCF-style: chr5-39316125-C-T.
Other names: c.622G>A (NM_001737.3); short protein forms G208S.
Identifiers: ClinVar variation 1521804 (VCV001521804.4), dbSNP rs755957609, ClinGen allele CA3246933.

ClinVar aggregate classification (germline): Uncertain significance. Review status: criteria provided, multiple submitters, no conflicts (2 of 4 stars). 2 submissions from 2 submitters: Uncertain significance (2). Last evaluated 2025-04-13.

Conditions:
Inborn genetic diseases. Identifiers: MedGen C0950123, MeSH D030342.

Allele frequency attached by ClinVar (database versions not stated): gnomAD exomes 0.00004 and 0.00007; gnomAD 0.00001; ExAC 0.00009.
gnomAD v4.1: 60 of 1,611,158 alleles (0.0037%); highest among the groups gnomAD compares: South Asian, 0.062%; 1 homozygote.

Submissions (2):

Ambry Genetics
Classification: Uncertain significance for Inborn genetic diseases. Last evaluated: 2025-04-13. Review status: criteria provided, single submitter. Criteria: Ambry Variant Classification Scheme 2023. Collection method: clinical testing. Allele origin: germline.

Labcorp Genetics (formerly Invitae), Labcorp
Classification: Uncertain significance. Last evaluated: 2022-02-04. Review status: criteria provided, single submitter. Criteria: Invitae Variant Classification Sherloc (09022015). Collection method: clinical testing. Allele origin: germline.
Comment: This sequence change replaces glycine, which is neutral and non-polar, with serine, which is neutral and polar, at codon 208 of the C9 protein (p.Gly208Ser). This variant is present in population databases (rs755957609, gnomAD 0.05%). This variant has not been reported in the literature in individuals affected with C9-related conditions. Algorithms developed to predict the effect of missense changes on protein structure and function are either unavailable or do not agree on the potential impact of this missense change (SIFT: "Not Available"; PolyPhen-2: "Benign"; Align-GVGD: "Not Available"). In summary, the available evidence is currently insufficient to determine the role of this variant in disease. Therefore, it has been classified as a Variant of Uncertain Significance.